The following is an entry in ClinVar:

ClinVar aggregate classification (germline): Uncertain significance (1 of 4 stars; one submission).

Conditions:
Baller-Gerold syndrome (BGS). Also called: CRANIOSYNOSTOSIS WITH RADIAL DEFECTS. Identifiers: Orphanet 1225, MedGen C0265308, MONDO:0009039, OMIM 218600.

Allele frequency attached by ClinVar (database versions not stated): gnomAD exomes below 0.00001.

Submission:

Labcorp Genetics (formerly Invitae), Labcorp
Classification: Uncertain significance for Baller-Gerold syndrome. Last evaluated: 2022-05-22. Review status: criteria provided, single submitter. Criteria: Invitae Variant Classification Sherloc (09022015). Collection method: clinical testing. Allele origin: germline.
Comment: In summary, the available evidence is currently insufficient to determine the role of this variant in disease. Therefore, it has been classified as a Variant of Uncertain Significance. Experimental studies and prediction algorithms are not available or were not evaluated, and the functional significance of this variant is currently unknown. This variant has not been reported in the literature in individuals affected with RECQL4-related conditions. This variant is not present in population databases (gnomAD no frequency). This sequence change replaces proline, which is neutral and non-polar, with leucine, which is neutral and non-polar, at codon 483 of the RECQL4 protein (p.Pro483Leu).

NM_004260.4(RECQL4):c.1448C>T (p.Pro483Leu)

Gene: RECQL4 (RecQ like helicase 4; minus strand). Cytogenetic location: 8q24.3.
Variant type: single nucleotide variant.
Coding change: c.1448C>T on transcript NM_004260.4 (MANE Select); coding-DNA position 1448, C replaced by T.
Protein change: p.Pro483Leu; replaces proline 483 with leucine.
Molecular consequence: missense variant.
Genome position (GRCh38, 1-based): chr8:144,515,185, G>A on the plus strand (C>T on the coding strand, the complement: RECQL4 is on the minus strand). VCF-style: chr8-144515185-G-A. GRCh37 (hg19) VCF-style: chr8-145740569-G-A.
Other names: c.1352C>T, p.Pro451Leu (NM_001413017.1, NM_001413020.1); c.1448C>T, p.Pro483Leu (NM_001413018.1, NM_001413019.1, NM_001413033.1 and 2 more transcripts); c.377C>T, p.Pro126Leu (NM_001413021.1, NM_001413022.1, NM_001413023.1 and 8 more transcripts); c.1319C>T, p.Pro440Leu (NM_001413025.1); c.311C>T, p.Pro104Leu (NM_001413027.1, NM_001413030.1, NM_001413031.1 and 2 more transcripts); c.1097C>T, p.Pro366Leu (NM_001413029.1); c.-20C>T (NM_001413043.1); short protein forms P104L, P126L, P366L, P440L, P451L, P483L.
Identifiers: ClinVar variation 2418101 (VCV002418101.5), dbSNP rs2538059249, ClinGen allele CA372684727.
Genomic context (GRCh38, chr8:144,515,185, plus strand): 5'-CCTCAGCCCTGGCAGCCACGCTCACCAGACAGGATCCGCATGACTGCACGCTCCTGCCCA[G>A]GGCGAAAGGCTTGGTGCCCCAGCTGCTCCAGGGCCTGGAACACCTCAGCCGGCGTCTCTG-3'
Protein context (NP_004251.4, residues 473-493): LEQLGHQAFR[Pro483Leu]GQERAVMRIL